The following is an entry in ClinVar:

ClinVar aggregate classification (germline): Uncertain significance (1 of 4 stars; one submission).

Conditions:
Familial cold autoinflammatory syndrome 3 (FCAS3). Also called: FAMILIAL ATYPICAL COLD URTICARIA; ANTIBODY DEFICIENCY AND IMMUNE DYSREGULATION, PLCG2-ASSOCIATED. Identifiers: Orphanet 300359, MedGen C3280914, MONDO:0013766, OMIM 614468.

Allele frequency attached by ClinVar (database versions not stated): gnomAD 0.00001; ExAC 0.00003.
gnomAD v4.1: 7 of 1,614,028 alleles (0.00043%); highest among the groups gnomAD compares: East Asian, 0.0022%; no homozygotes.

Submission:

Labcorp Genetics (formerly Invitae), Labcorp
Classification: Uncertain significance for Familial cold autoinflammatory syndrome 3. Last evaluated: 2023-01-15. Review status: criteria provided, single submitter. Criteria: Invitae Variant Classification Sherloc (09022015). Collection method: clinical testing. Allele origin: germline.
Comment: In summary, the available evidence is currently insufficient to determine the role of this variant in disease. Therefore, it has been classified as a Variant of Uncertain Significance. Algorithms developed to predict the effect of missense changes on protein structure and function output the following: SIFT: "Tolerated"; PolyPhen-2: "Benign"; Align-GVGD: "Class C0". The glutamine amino acid residue is found in multiple mammalian species, which suggests that this missense change does not adversely affect protein function. This variant has not been reported in the literature in individuals affected with PLCG2-related conditions. This variant is present in population databases (rs370242901, gnomAD 0.003%). This sequence change replaces arginine, which is basic and polar, with glutamine, which is neutral and polar, at codon 50 of the PLCG2 protein (p.Arg50Gln).

NM_002661.5(PLCG2):c.149G>A (p.Arg50Gln)

Gene: PLCG2 (phospholipase C gamma 2; plus strand). Cytogenetic location: 16q23.3.
Variant type: single nucleotide variant.
Coding change: c.149G>A on transcript NM_002661.5 (MANE Select); coding-DNA position 149, G replaced by A.
Protein change: p.Arg50Gln; replaces arginine 50 with glutamine.
Molecular consequence: missense variant.
Genome position (GRCh38, 1-based): chr16:81,786,138, G>A. VCF-style: chr16-81786138-G-A. GRCh37 (hg19) VCF-style: chr16-81819743-G-A.
Other names: c.149G>A, p.Arg50Gln (NM_001425750.1, NM_001425751.1, NM_001425749.1); short protein forms R50Q.
Identifiers: ClinVar variation 2914223 (VCV002914223.3), dbSNP rs370242901, ClinGen allele CA8193044.